The following is an entry in ClinVar:

ClinVar aggregate classification (germline): Pathogenic/Likely pathogenic. Review status: criteria provided, multiple submitters, no conflicts (2 of 4 stars). 3 submissions from 3 submitters: Pathogenic (1); Likely pathogenic (1). 1 of the submissions does not count toward it. Last evaluated 2023-10-19.

Conditions:
Deafness-lymphedema-leukemia syndrome. Also called: Emberger syndrome; Lymphedema, primary, with myelodysplasia. Identifiers: Orphanet 3226, MedGen C3279664, MONDO:0013540, OMIM 614038.
GATA2 deficiency with susceptibility to MDS/AML. Identifiers: MedGen CN300066, MONDO:0042982.
Monocytopenia with susceptibility to infections. Also called: MONOCYTOPENIA AND MYCOBACTERIAL INFECTION SYNDROME; MONOCYTOPENIA WITH SUSCEPTIBILITY TO MYCOBACTERIAL, FUNGAL, AND PAPILLOMAVIRUS INFECTIONS AND MYELODYSPLASIA; COMBINED IMMUNODEFICIENCY WITH SUSCEPTIBILITY TO MYCOBACTERIAL, VIRAL, AND FUNGAL INFECTIONS; GATA2 DEFICIENCY; Dendritic cell, monocyte, B lymphocyte, and natural killer lymphocyte deficiency; IMMUNODEFICIENCY 21. Identifiers: Orphanet 228423, MedGen C3280030, MONDO:0013607, OMIM 614172.

Submissions (4):

Labcorp Genetics (formerly Invitae), Labcorp
Classification: Pathogenic for Monocytopenia with susceptibility to infections; Deafness-lymphedema-leukemia syndrome. Last evaluated: 2023-10-19. Review status: criteria provided, single submitter. Criteria: Invitae Variant Classification Sherloc (09022015). Collection method: clinical testing. Allele origin: germline.
Comment: This sequence change affects an acceptor splice site in intron 4 of the GATA2 gene. It is expected to disrupt RNA splicing. Variants that disrupt the donor or acceptor splice site typically lead to a loss of protein function (PMID: 16199547), and loss-of-function variants in GATA2 are known to be pathogenic (PMID: 21670465, 23223431). This variant is not present in population databases (gnomAD no frequency). Disruption of this splice site has been observed in individuals with GATA2-related conditions (PMID: 21670465, 21765025, 26022708). ClinVar contains an entry for this variant (Variation ID: 29716). Algorithms developed to predict the effect of sequence changes on RNA splicing suggest that this variant may disrupt the consensus splice site. For these reasons, this variant has been classified as Pathogenic.

Molecular Pathology Research Laboratory, SA Pathology
Classification: Likely pathogenic for GATA2 deficiency with susceptibility to MDS/AML; Deafness-lymphedema-leukemia syndrome. Last evaluated: 2021-07-06. Review status: criteria provided, single submitter. Criteria: ACMG Guidelines, 2015. Collection method: curation. Allele origin: unknown. Inheritance: Autosomal dominant inheritance. Affected: yes. Observed: 1 variant allele.
Comment: PVS1_Strong, PS4_Supporting, PM2

OMIM
Classification: Pathogenic for IMMUNODEFICIENCY 21. Last evaluated: 2011-09-08. Review status: no assertion criteria provided. Collection method: literature only. Allele origin: germline. Not counted in ClinVar's aggregate classification.

Dr. Peter K. Rogan Lab, Western University
No classification provided (evidence only). Condition: Lung cancer. Review status: no classification provided. Collection method: in vitro. Allele origin: not applicable. Functional consequence: cryptic splice site, retained intron. Not counted in ClinVar's aggregate classification.

Literature cited by the submitters: PubMed 16199547 (cited by Labcorp Genetics (formerly Invitae), Labcorp); PubMed 21670465 (cited by Labcorp Genetics (formerly Invitae), Labcorp); PubMed 23223431 (cited by Labcorp Genetics (formerly Invitae), Labcorp); PubMed 21765025 (cited by 3 submitters); PubMed 26022708 (cited by Labcorp Genetics (formerly Invitae), Labcorp); PubMed 21810969 (cited by Molecular Pathology Research Laboratory, SA Pathology); PubMed 24345756 (cited by Molecular Pathology Research Laboratory, SA Pathology); PubMed 21242295 (cited by OMIM).

NM_032638.5(GATA2):c.1018-1G>T

Gene: GATA2 (GATA binding protein 2; minus strand). Cytogenetic location: 3q21.3.
Variant type: single nucleotide variant.
Coding change: c.1018-1G>T on transcript NM_032638.5 (MANE Select); the canonical splice acceptor site of the intron before coding-DNA position 1018, G replaced by T.
Molecular consequence: splice acceptor variant. On other transcripts: intron variant (1).
Genome position (GRCh38, 1-based): chr3:128,481,945, C>A on the plus strand (G>T on the coding strand, the complement: GATA2 is on the minus strand). VCF-style: chr3-128481945-C-A. GRCh37 (hg19) VCF-style: chr3-128200788-C-A.
Other names: IVS4AS, G-T, -1; c.1018-43G>T (NM_001145662.1); c.1018-1G>T (NM_001145661.2).
Identifiers: ClinVar variation 29716 (VCV000029716.6), dbSNP rs869320668, ClinGen allele CA358817.